The following is an entry in ClinVar:

ClinVar aggregate classification (germline): Uncertain significance (1 of 4 stars; one submission).

Submission:

GeneDx
Classification: Uncertain significance. Last evaluated: 2024-11-12. Review status: criteria provided, single submitter. Criteria: GeneDx Variant Classification Process June 2021. Collection method: clinical testing. Allele origin: germline. Affected: yes.
Comment: Not observed at significant frequency in large population cohorts (gnomAD); In silico analysis supports that this missense variant has a deleterious effect on protein structure/function; Has not been previously published as pathogenic or benign to our knowledge

NM_006015.6(ARID1A):c.4820T>C (p.Leu1607Pro)

Gene: ARID1A (AT-rich interaction domain 1A; plus strand). Cytogenetic location: 1p36.11.
Variant type: single nucleotide variant.
Coding change: c.4820T>C on transcript NM_006015.6 (MANE Select); coding-DNA position 4820, T replaced by C.
Protein change: p.Leu1607Pro; replaces leucine 1607 with proline.
Molecular consequence: missense variant.
Genome position (GRCh38, 1-based): chr1:26,775,047, T>C. VCF-style: chr1-26775047-T-C. GRCh37 (hg19) VCF-style: chr1-27101538-T-C.
Other names: c.4169T>C, p.Leu1390Pro (NM_139135.4); short protein forms L1390P, L1607P.
Identifiers: ClinVar variation 3899212 (VCV003899212.1).